The following is an entry in ClinVar:

ClinVar aggregate classification (germline): Uncertain significance (1 of 4 stars; one submission).

gnomAD v4.1: 2 of 1,613,916 alleles (0.00012%); highest among the groups gnomAD compares: African/African-American, 0.0013%; no homozygotes.

Submission:

GeneDx
Classification: Uncertain significance. Last evaluated: 2024-10-21. Review status: criteria provided, single submitter. Criteria: GeneDx Variant Classification Process June 2021. Collection method: clinical testing. Allele origin: germline. Affected: yes.
Comment: Not observed at significant frequency in large population cohorts (gnomAD); In silico analysis indicates that this missense variant does not alter protein structure/function; Has not been previously published as pathogenic or benign to our knowledge

NM_015057.5(MYCBP2):c.13483A>G (p.Lys4495Glu)

Gene: MYCBP2 (MYC binding protein 2; minus strand). Cytogenetic location: 13q22.3.
Variant type: single nucleotide variant.
Coding change: c.13483A>G on transcript NM_015057.5 (MANE Select); coding-DNA position 13483, A replaced by G.
Protein change: p.Lys4495Glu; replaces lysine 4495 with glutamic acid.
Molecular consequence: missense variant.
Genome position (GRCh38, 1-based): chr13:77,055,722, T>C on the plus strand (A>G on the coding strand, the complement: MYCBP2 is on the minus strand). VCF-style: chr13-77055722-T-C. GRCh37 (hg19) VCF-style: chr13-77629857-T-C.
Other names: short protein forms K4495E.
Identifiers: ClinVar variation 3781215 (VCV003781215.1).